The following is an entry in ClinVar:

NM_001283009.2(RTEL1):c.29C>T (p.Thr10Ile)

Genes: RTEL1 (regulator of telomere elongation helicase 1; plus strand), RTEL1-TNFRSF6B (RTEL1-TNFRSF6B readthrough (NMD candidate); plus strand). Cytogenetic location: 20q13.33.
Variant type: single nucleotide variant.
Coding change: c.29C>T on transcript NM_001283009.2 (MANE Select); coding-DNA position 29, C replaced by T.
Protein change: p.Thr10Ile; replaces threonine 10 with isoleucine.
Molecular consequence: missense variant. On other transcripts: non-coding transcript variant (1), intron variant (1).
Genome position (GRCh38, 1-based): chr20:63,659,431, C>T. VCF-style: chr20-63659431-C-T. GRCh37 (hg19) VCF-style: chr20-62290784-C-T.
Other names: c.29C>T, p.Thr10Ile (NM_016434.4, NM_032957.5); c.-568+972C>T (NM_001283010.1); short protein forms T10I.
Identifiers: ClinVar variation 1387458 (VCV001387458.5), dbSNP rs751168157, ClinGen allele CA317497105.
Genomic context (GRCh38, chr20:63,659,431, plus strand): 5'-CACGCTCTGTGCCCTTCTGAGAACAGGCTGATATGCCCAAGATAGTCCTGAATGGTGTGA[C>T]CGTAGACTTCCCTTTCCAGCCCTACAAATGCCAACAGGAGTACATGACCAAGGTCCTGGA-3'
Protein context (NP_001269938.1, residues 1-20): MPKIVLNGV[Thr10Ile]VDFPFQPYKC

ClinVar aggregate classification (germline): Uncertain significance (1 of 4 stars; one submission).

Conditions:
Pulmonary fibrosis and/or bone marrow failure, Telomere-related, 3. Also called: PULMONARY FIBROSIS AND/OR BONE MARROW FAILURE SYNDROME, TELOMERE-RELATED, 3. Identifiers: Orphanet 2032, MedGen C4225346, MONDO:0014613, OMIM 616373.
Dyskeratosis congenita, autosomal recessive 5 (DKCB5). Identifiers: MedGen C3554656, MONDO:0014076, OMIM 615190.

Allele frequency attached by ClinVar (database versions not stated): gnomAD exomes below 0.00001 and 0.00001; gnomAD 0.00001.
gnomAD v4.1: 13 of 1,613,994 alleles (0.00081%); highest among the groups gnomAD compares: Non-Finnish European, 0.0011%; no homozygotes.

Submission:

Labcorp Genetics (formerly Invitae), Labcorp
Classification: Uncertain significance for Dyskeratosis congenita, autosomal recessive 5; Pulmonary fibrosis and/or bone marrow failure, Telomere-related, 3. Last evaluated: 2021-09-01. Review status: criteria provided, single submitter. Criteria: Invitae Variant Classification Sherloc (09022015). Collection method: clinical testing. Allele origin: germline.
Comment: This sequence change replaces threonine with isoleucine at codon 10 of the RTEL1 protein (p.Thr10Ile). The threonine residue is moderately conserved and there is a moderate physicochemical difference between threonine and isoleucine. This variant is not present in population databases (ExAC no frequency). This variant has not been reported in the literature in individuals affected with RTEL1-related conditions. Algorithms developed to predict the effect of missense changes on protein structure and function are either unavailable or do not agree on the potential impact of this missense change (SIFT: "Deleterious"; PolyPhen-2: "Possibly Damaging"; Align-GVGD: "Class C0"). In summary, the available evidence is currently insufficient to determine the role of this variant in disease. Therefore, it has been classified as a Variant of Uncertain Significance.